The following is an entry in ClinVar:

NM_000059.4(BRCA2):c.8888C>T (p.Ser2963Leu)

Gene: BRCA2 (BRCA2 DNA repair associated; plus strand). Cytogenetic location: 13q13.1.
Variant type: single nucleotide variant.
Coding change: c.8888C>T on transcript NM_000059.4 (MANE Select); coding-DNA position 8888, C replaced by T.
Protein change: p.Ser2963Leu; replaces serine 2963 with leucine.
Molecular consequence: missense variant. On other transcripts: non-coding transcript variant (1).
Genome position (GRCh38, 1-based): chr13:32,379,450, C>T. VCF-style: chr13-32379450-C-T. GRCh37 (hg19) VCF-style: chr13-32953587-C-T.
Other names: c.8792C>T, p.Ser2931Leu (NM_001406719.1); c.8888C>T, p.Ser2963Leu (NM_001406720.1); c.3956C>T, p.Ser1319Leu (NM_001406721.1); c.2471C>T, p.Ser824Leu (NM_001406722.1); short protein forms S2963L, S824L, S1319L, S2931L.
Identifiers: ClinVar variation 2826962 (VCV002826962.4), dbSNP rs886040798, ClinGen allele CA387756484.

ClinVar aggregate classification (germline): Uncertain significance. Review status: criteria provided, multiple submitters, no conflicts (2 of 4 stars). 2 submissions from 2 submitters: Uncertain significance (2). Last evaluated 2025-09-25.

Conditions:
Hereditary cancer-predisposing syndrome. Also called: Neoplastic Syndromes, Hereditary; Hereditary neoplastic syndrome; Tumor predisposition; Hereditary Cancer Syndrome. Identifiers: Orphanet 140162, MedGen C0027672, MeSH D009386, MONDO:0015356.
Hereditary breast ovarian cancer syndrome. Also called: Hereditary breast and/or ovarian cancer syndrome; Hereditary breast and ovarian cancer; Hereditary breast and ovarian cancer syndrome; Breast and ovarian cancer; Hereditary breast and ovarian cancer syndrome (HBOC); BRCA1- and BRCA2-Associated Hereditary Breast and Ovarian Cancer. Identifiers: Orphanet 145, MedGen C0677776, MeSH D061325, MONDO:0003582. Disease mechanism: loss of function.

gnomAD v4.1: 2 of 1,613,296 alleles (0.00012%); highest among the groups gnomAD compares: South Asian, 0.0022%; no homozygotes.

Submissions (2):

Ambry Genetics
Classification: Uncertain significance for Hereditary cancer-predisposing syndrome. Last evaluated: 2025-09-25. Review status: criteria provided, single submitter. Criteria: Ambry Variant Classification Scheme 2023. Collection method: clinical testing. Allele origin: germline.
Comment: The p.S2963L variant (also known as c.8888C>T), located in coding exon 21 of the BRCA2 gene, results from a C to T substitution at nucleotide position 8888. The serine at codon 2963 is replaced by leucine, an amino acid with dissimilar properties. This amino acid position is not well conserved in available vertebrate species. In addition, this alteration is predicted to be tolerated by in silico analysis. Based on the available evidence, the clinical significance of this variant remains unclear.

Labcorp Genetics (formerly Invitae), Labcorp
Classification: Uncertain significance for Hereditary breast ovarian cancer syndrome. Last evaluated: 2023-03-21. Review status: criteria provided, single submitter. Criteria: Invitae Variant Classification Sherloc (09022015). Collection method: clinical testing. Allele origin: germline.
Comment: This sequence change replaces serine, which is neutral and polar, with leucine, which is neutral and non-polar, at codon 2963 of the BRCA2 protein (p.Ser2963Leu). This variant is present in population databases (no rsID available, gnomAD 0.003%). This variant has not been reported in the literature in individuals affected with BRCA2-related conditions. Advanced modeling of protein sequence and biophysical properties (such as structural, functional, and spatial information, amino acid conservation, physicochemical variation, residue mobility, and thermodynamic stability) performed at Invitae indicates that this missense variant is not expected to disrupt BRCA2 protein function. In summary, the available evidence is currently insufficient to determine the role of this variant in disease. Therefore, it has been classified as a Variant of Uncertain Significance.